The following is an entry in ClinVar:

ClinVar aggregate classification (germline): Uncertain significance (1 of 4 stars; one submission).

Conditions:
Malignant hyperthermia, susceptibility to, 1 (MHS1). Also called: RYR1-Related Malignant Hyperthermia Susceptibility; Malignant hyperthermia suceptibility 1; Anesthesia related hyperthermia; Malignant hyperpyrexia; Fulminating hyperpyrexia; Pharmacogenic myopathy. Identifiers: Orphanet 423, MedGen C2930980, MONDO:0007783, OMIM 145600.

Submission:

Color Diagnostics, LLC DBA Color Health
Classification: Uncertain significance for Malignant hyperthermia, susceptibility to, 1. Last evaluated: 2025-08-28. Review status: criteria provided, single submitter. Criteria: ACMG Guidelines, 2015. Collection method: clinical testing. Allele origin: germline.
Comment: This variant inserts 2 nucleotides in exon 63 of the RYR1 gene, creating a frameshift and premature translation stop signal. This variant is expected to result in an absent or non-functional protein product. To our knowledge, this variant has not been reported in individuals affected with RYR1-related disorders in the literature. This variant has not been identified in the general population by the Genome Aggregation Database (gnomAD). Loss of RYR1 gene function due to haploinsufficiency is not an established disease mechanism for autosomal dominant malignant hyperthermia susceptibility. Therefore, this variant is classified as a Variant of Uncertain Significance.

NM_000540.3(RYR1):c.9290_9291insTA (p.Glu3097fs)

Gene: RYR1 (ryanodine receptor 1; plus strand). Cytogenetic location: 19q13.2.
Variant type: Insertion.
Coding change: c.9290_9291insTA on transcript NM_000540.3 (MANE Select); coding-DNA positions 9290 to 9291, TA inserted.
Protein change: p.Glu3097fs; shifts the reading frame from glutamic acid 3097.
Molecular consequence: frameshift variant.
Genome position: GRCh38 VCF-style: chr19-38512300-G-GAT. GRCh37 (hg19) VCF-style: chr19-39002940-G-GAT.
Other names: c.9290_9291insTA, p.Glu3097fs (NM_001042723.2); short protein forms E3097fs.
Identifiers: ClinVar variation 4756138 (VCV004756138.1).